The following is an entry in ClinVar:

ClinVar aggregate classification (germline): Likely benign. Review status: criteria provided, multiple submitters, no conflicts (2 of 4 stars). 2 submissions from 2 submitters: Likely benign (2). Last evaluated 2025-06-16.

Allele frequency attached by ClinVar (database versions not stated): TOPMed 0.00003.
gnomAD v4.1: 14 of 1,614,082 alleles (0.00087%); highest among the groups gnomAD compares: Admixed American, 0.0017%; no homozygotes.

Submissions (2):

Labcorp Genetics (formerly Invitae), Labcorp
Classification: Likely benign. Last evaluated: 2025-06-16. Review status: criteria provided, single submitter. Criteria: Invitae Variant Classification Sherloc (09022015). Collection method: clinical testing. Allele origin: germline.

GeneDx
Classification: Likely benign. Last evaluated: 2016-12-09. Review status: criteria provided, single submitter. Criteria: GeneDx Variant Classification (06012015). Collection method: clinical testing. Allele origin: germline. Affected: yes.
Comment: This variant is considered likely benign or benign based on one or more of the following criteria: it is a conservative change, it occurs at a poorly conserved position in the protein, it is predicted to be benign by multiple in silico algorithms, and/or has population frequency not consistent with disease.

NM_021830.5(TWNK):c.1338C>T (p.Ile446=)

Gene: TWNK (twinkle mtDNA helicase; plus strand). Cytogenetic location: 10q24.31.
Variant type: single nucleotide variant.
Coding change: c.1338C>T on transcript NM_021830.5 (MANE Select); coding-DNA position 1338, C replaced by T.
Protein change: p.Ile446=; no amino-acid change (isoleucine 446 retained).
Molecular consequence: synonymous variant. On other transcripts: 5 prime UTR variant (3), non-coding transcript variant (5).
Genome position (GRCh38, 1-based): chr10:100,989,738, C>T. VCF-style: chr10-100989738-C-T. GRCh37 (hg19) VCF-style: chr10-102749495-C-T.
Other names: c.1338C>T, p.Ile446= (NM_001163812.2); c.-25C>T (NM_001163813.2, NM_001163814.2, NM_001368275.1).
Identifiers: ClinVar variation 391082 (VCV000391082.5), dbSNP rs766151894, ClinGen allele CA5653214.
Genomic context (GRCh38, chr10:100,989,738, plus strand): 5'-TGAGTATGCCCTGGATTTGTGTTCCCAGGGGGTGAACACACTGTGGGGTAGCTTCGAGAT[C>T]AGCAATGTGAGACTAGCCCGGGTCATGCTGACACAGTTTGCCGAGGGGCGGCTGGAAGAT-3'
Protein context (NP_068602.2, residues 436-456): GVNTLWGSFE[Ile446=]SNVRLARVML